The following is an entry in ClinVar:

NM_000255.4(MMUT):c.2030del (p.Gly677fs)

Gene: MMUT (methylmalonyl-CoA mutase; minus strand). Cytogenetic location: 6p12.3.
Variant type: Deletion.
Coding change: c.2030del on transcript NM_000255.4 (MANE Select); coding-DNA position 2030, one base deleted (G; older notation c.2030delG).
Protein change: p.Gly677fs; shifts the reading frame from glycine 677.
Molecular consequence: frameshift variant.
Genome position (GRCh38, 1-based): chr6:49,435,550, C deleted on the plus strand (G on the coding strand, the reverse complement: MMUT is on the minus strand); the first of 2 consecutive C bases (chr6:49,435,550-49,435,551); deleting either gives the same sequence. VCF-style (leftmost placement, unchanged base first): chr6-49435549-AC-A. GRCh37 (hg19) VCF-style: chr6-49403262-AC-A.
Other names: short protein forms G677fs.
Identifiers: ClinVar variation 3643728 (VCV003643728.2).

ClinVar aggregate classification (germline): Pathogenic (1 of 4 stars; one submission).

Submission:

Labcorp Genetics (formerly Invitae), Labcorp
Classification: Pathogenic. Last evaluated: 2024-02-29. Review status: criteria provided, single submitter. Criteria: Invitae Variant Classification Sherloc (09022015). Collection method: clinical testing. Allele origin: germline.
Comment: This sequence change creates a premature translational stop signal (p.Gly677Valfs*5) in the MUT gene. It is expected to result in an absent or disrupted protein product. Loss-of-function variants in MUT are known to be pathogenic (PMID: 15781192). This variant is not present in population databases (gnomAD no frequency). This variant has not been reported in the literature in individuals affected with MUT-related conditions. For these reasons, this variant has been classified as Pathogenic.

Literature cited by the submitters: PubMed 15781192.